The following is an entry in ClinVar:

NM_080425.4(GNAS):c.986C>A (p.Pro329Gln)

Gene: GNAS (GNAS complex locus; plus strand). Cytogenetic location: 20q13.32.
Variant type: single nucleotide variant.
Coding change: c.986C>A on transcript NM_080425.4 (MANE Plus Clinical); coding-DNA position 986, C replaced by A.
Protein change: p.Pro329Gln; replaces proline 329 with glutamine.
Molecular consequence: missense variant. On other transcripts: intron variant (3).
Genome position (GRCh38, 1-based): chr20:58,854,251, C>A. VCF-style: chr20-58854251-C-A. GRCh37 (hg19) VCF-style: chr20-57429306-C-A.
Other names: c.799C>A, p.Gln267Lys (NM_001077490.3, NM_001309883.1); c.986C>A, p.Pro329Gln (NM_001410913.1); c.*42+13365C>A (NM_016592.5); c.43+13365C>A (NM_001410912.1); c.-39+12376C>A (NM_001309861.2); short protein forms P329Q, Q267K.
Identifiers: ClinVar variation 3253270 (VCV003253270.1), dbSNP rs756015757.
Genomic context (GRCh38, chr20:58,854,251, plus strand): 5'-TCGAGATTGGCAGCGCCCCCGCTGGGGTCGACGACACTCCCGTCAACATGGACAGCCCCC[C>A]AATCGCGCTTGACGGCCCGCCCATCAAGGTCTCCGGAGCCCCAGATAAGAGAGAGCGAGC-3'
Protein context (NP_536350.2, residues 319-339): DDTPVNMDSP[Pro329Gln]IALDGPPIKV

ClinVar aggregate classification (germline): Uncertain significance (1 of 4 stars; one submission).

Submission:

GeneDx
Classification: Uncertain significance. Last evaluated: 2024-03-04. Review status: criteria provided, single submitter. Criteria: GeneDx Variant Classification Process June 2021. Collection method: clinical testing. Allele origin: germline. Affected: yes.
Comment: Has not been previously published as pathogenic or benign to our knowledge; Not observed at significant frequency in large population cohorts (gnomAD); In silico analysis supports that this missense variant does not alter protein structure/function; Reported using an alternate transcript of the gene; This variant is associated with the following publications: (PMID: 27535533)